The following is an entry in ClinVar:

ClinVar aggregate classification (germline): Pathogenic (1 of 4 stars; one submission).

Conditions:
Cohen syndrome (COH1). Also called: PEPPER SYNDROME; Cutis verticis gyrata, retinitis pigmentosa, and sensorineural deafness. Identifiers: Orphanet 193, MedGen C0265223, MONDO:0008999, OMIM 216550.

Submission:

Labcorp Genetics (formerly Invitae), Labcorp
Classification: Pathogenic for Cohen syndrome. Last evaluated: 2024-07-08. Review status: criteria provided, single submitter. Criteria: Invitae Variant Classification Sherloc (09022015). Collection method: clinical testing. Allele origin: germline.
Comment: This sequence change creates a premature translational stop signal (p.Val1115Alafs*7) in the VPS13B gene. It is expected to result in an absent or disrupted protein product. Loss-of-function variants in VPS13B are known to be pathogenic (PMID: 15141358, 16648375, 20461111). This variant is not present in population databases (gnomAD no frequency). This variant has not been reported in the literature in individuals affected with VPS13B-related conditions. For these reasons, this variant has been classified as Pathogenic.

Literature cited by the submitters: PubMed 15141358; PubMed 16648375; PubMed 20461111.

NM_152564.5(VPS13B):c.3344_3354del (p.Val1115fs)

Gene: VPS13B (vacuolar protein sorting 13 homolog B; plus strand). Cytogenetic location: 8q22.2.
Variant type: Deletion.
Coding change: c.3344_3354del on transcript NM_152564.5 (MANE Select); coding-DNA positions 3344 to 3354, 11 bases deleted (TCCTCTGTTTG).
Protein change: p.Val1115fs; shifts the reading frame from valine 1115.
Molecular consequence: frameshift variant.
Genome position (GRCh38, 1-based): chr8:99,442,534-99,442,544, TCCTCTGTTTG deleted; deleting any 11 consecutive bases within chr8:99,442,531-99,442,544 gives the same sequence; the c. name uses the placement nearest the transcript's 3' end. VCF-style (leftmost placement, unchanged base first): chr8-99442530-CTTGTCCTCTGT-C. GRCh37 (hg19) VCF-style: chr8-100454758-CTTGTCCTCTGT-C.
Other names: c.3344_3354del, p.Val1115fs (NM_017890.5); short protein forms V1115fs.
Identifiers: ClinVar variation 3659052 (VCV003659052.2).